The following is an entry in ClinVar:

NM_015474.4(SAMHD1):c.1256dup (p.Tyr419Ter)

Gene: SAMHD1 (SAM and HD domain containing deoxynucleoside triphosphate triphosphohydrolase 1; minus strand). Cytogenetic location: 20q11.23.
Variant type: Duplication.
Coding change: c.1256dup on transcript NM_015474.4 (MANE Select); coding-DNA position 1256, one base duplicated (A; older notation c.1256dupA).
Protein change: p.Tyr419Ter; replaces tyrosine 419 with a stop codon.
Molecular consequence: nonsense.
Genome position (GRCh38, 1-based): chr20:36,911,232, T duplicated on the plus strand (A on the coding strand, the reverse complement: SAMHD1 is on the minus strand). VCF-style (leftmost placement, unchanged base first): chr20-36911231-A-AT. GRCh37 (hg19) VCF-style: chr20-35539634-A-AT.
Other names: c.1256dup, p.Tyr419Ter (NM_001363729.2, NM_001363733.2); short protein forms Y419*.
Identifiers: ClinVar variation 3008295 (VCV003008295.3), dbSNP rs2515236081, ClinGen allele CA2740097065.
Genomic context (GRCh38, chr20:36,911,231, plus strand): 5'-TACAGTTTATCTGAGATGGACCATCTATGTTACCTGTTACTTCTTACCTGTCAGCTTAGT[A>AT]TAGGCTTCCATGTCGTCAATTGCTGTAGAAATGCGATACTTTTTTCCTCCAGCACCTGTA-3'

ClinVar aggregate classification (germline): Pathogenic (1 of 4 stars; one submission).

Conditions:
Aicardi-Goutieres syndrome 5. Identifiers: Orphanet 51, MedGen C2749659, MONDO:0013059, OMIM 612952.

Submission:

Labcorp Genetics (formerly Invitae), Labcorp
Classification: Pathogenic for Aicardi-Goutieres syndrome 5. Last evaluated: 2024-01-01. Review status: criteria provided, single submitter. Criteria: Invitae Variant Classification Sherloc (09022015). Collection method: clinical testing. Allele origin: germline.
Comment: This sequence change creates a premature translational stop signal (p.Tyr419*) in the SAMHD1 gene. It is expected to result in an absent or disrupted protein product. Loss-of-function variants in SAMHD1 are known to be pathogenic (PMID: 19525956, 22461318). This variant is not present in population databases (gnomAD no frequency). This variant has not been reported in the literature in individuals affected with SAMHD1-related conditions. For these reasons, this variant has been classified as Pathogenic.

Literature cited by the submitters: PubMed 19525956; PubMed 22461318.